The following is an entry in ClinVar:

ClinVar aggregate classification (germline): Benign/Likely benign. Review status: criteria provided, multiple submitters, no conflicts (2 of 4 stars). 3 submissions from 3 submitters: Benign (1); Likely benign (2). Last evaluated 2025-05-02.

Conditions:
Hereditary cancer-predisposing syndrome. Also called: Neoplastic Syndromes, Hereditary; Hereditary Cancer Syndrome; Hereditary neoplastic syndrome; Tumor predisposition. Identifiers: Orphanet 140162, MedGen C0027672, MeSH D009386, MONDO:0015356.
Tuberous sclerosis 2 (TSC2). Identifiers: Orphanet 805, MedGen C1860707, MONDO:0013199, OMIM 613254.

Submissions (3):

Myriad Genetics, Inc.
Classification: Benign for Tuberous sclerosis 2. Last evaluated: 2025-05-02. Review status: criteria provided, single submitter. Criteria: Myriad Autosomal Dominant, Autosomal Recessive and X-Linked Classification Criteria (2023). Collection method: clinical testing. Allele origin: unknown.
Comment: This variant is considered benign. This variant is a silent/synonymous amino acid change and it is not expected to impact splicing.

Labcorp Genetics (formerly Invitae), Labcorp
Classification: Likely benign for Tuberous sclerosis 2. Last evaluated: 2022-08-20. Review status: criteria provided, single submitter. Criteria: Invitae Variant Classification Sherloc (09022015). Collection method: clinical testing. Allele origin: germline.

Ambry Genetics
Classification: Likely benign for Hereditary cancer-predisposing syndrome. Last evaluated: 2021-03-30. Review status: criteria provided, single submitter. Criteria: Ambry Variant Classification Scheme 2023. Collection method: clinical testing. Allele origin: germline.

NM_000548.5(TSC2):c.321C>T (p.Ala107=)

Gene: TSC2 (TSC complex subunit 2; plus strand). Cytogenetic location: 16p13.3.
Variant type: single nucleotide variant.
Coding change: c.321C>T on transcript NM_000548.5 (MANE Select); coding-DNA position 321, C replaced by T.
Protein change: p.Ala107=; no amino-acid change (alanine 107 retained).
Molecular consequence: synonymous variant. On other transcripts: intron variant (2).
Genome position (GRCh38, 1-based): chr16:2,053,437, C>T. VCF-style: chr16-2053437-C-T. GRCh37 (hg19) VCF-style: chr16-2103438-C-T.
Other names: c.354C>T, p.Ala118= (NM_001318832.2); c.321C>T, p.Ala107= (NM_001363528.2, NM_001370404.1, NM_001370405.1 and 3 more transcripts); c.226-859C>T (NM_001318827.2); c.-1-2759C>T (NM_001318831.2); c.174C>T, p.Ala58= (NM_001318829.2).
Identifiers: ClinVar variation 1120594 (VCV001120594.12), dbSNP rs1280933774, ClinGen allele CA492955270.